The following is an entry in ClinVar:

NM_005033.3(EXOSC9):c.973G>A (p.Val325Ile)

Gene: EXOSC9 (exosome component 9; plus strand). Cytogenetic location: 4q27.
Variant type: single nucleotide variant.
Coding change: c.973G>A on transcript NM_005033.3 (MANE Select); coding-DNA position 973, G replaced by A.
Protein change: p.Val325Ile; replaces valine 325 with isoleucine.
Molecular consequence: missense variant.
Genome position (GRCh38, 1-based): chr4:121,813,379, G>A. VCF-style: chr4-121813379-G-A. GRCh37 (hg19) VCF-style: chr4-122734534-G-A.
Other names: c.973G>A, p.Val325Ile (NM_001034194.2); short protein forms V325I.
Identifiers: ClinVar variation 1945376 (VCV001945376.2), dbSNP rs764278728, ClinGen allele CA3063580.
Genomic context (GRCh38, chr4:121,813,379, plus strand): 5'-ACCTCGGATGTAGAAGAAAAAGCAGAAGAAATCATTGCTGAAGCAGAACCTCCTTCAGAA[G>A]TGTATCTTTATTTGGTGGTTTTTGCAGTAACAAGATTCATAACACTTGGCATTATAATAT-3'
Protein context (NP_005024.2, residues 315-335): IIAEAEPPSE[Val325Ile]VSTPVLWTPG

ClinVar aggregate classification (germline): Uncertain significance (1 of 4 stars; one submission).

Allele frequency attached by ClinVar (database versions not stated): gnomAD exomes below 0.00001; ExAC 0.00001; gnomAD 0.00001; TOPMed 0.00001.
gnomAD v4.1: 9 of 1,611,364 alleles (0.00056%); highest among the groups gnomAD compares: Middle Eastern, 0.017%; no homozygotes.

Submission:

Labcorp Genetics (formerly Invitae), Labcorp
Classification: Uncertain significance. Last evaluated: 2022-02-28. Review status: criteria provided, single submitter. Criteria: Invitae Variant Classification Sherloc (09022015). Collection method: clinical testing. Allele origin: germline.
Comment: This sequence change replaces valine, which is neutral and non-polar, with isoleucine, which is neutral and non-polar, at codon 325 of the EXOSC9 protein (p.Val325Ile). This variant is present in population databases (rs764278728, gnomAD 0.005%). This variant has not been reported in the literature in individuals affected with EXOSC9-related conditions. Algorithms developed to predict the effect of missense changes on protein structure and function (SIFT, PolyPhen-2, Align-GVGD) all suggest that this variant is likely to be tolerated. Algorithms developed to predict the effect of sequence changes on RNA splicing suggest that this variant may create or strengthen a splice site. In summary, the available evidence is currently insufficient to determine the role of this variant in disease. Therefore, it has been classified as a Variant of Uncertain Significance.